The following is an entry in ClinVar:

NM_015295.3(SMCHD1):c.1502C>T (p.Ala501Val)

Gene: SMCHD1 (structural maintenance of chromosomes flexible hinge domain containing 1; plus strand). Cytogenetic location: 18p11.32.
Variant type: single nucleotide variant.
Coding change: c.1502C>T on transcript NM_015295.3 (MANE Select); coding-DNA position 1502, C replaced by T.
Protein change: p.Ala501Val; replaces alanine 501 with valine.
Molecular consequence: missense variant.
Genome position (GRCh38, 1-based): chr18:2,700,773, C>T. VCF-style: chr18-2700773-C-T. GRCh37 (hg19) VCF-style: chr18-2700771-C-T.
Other names: short protein forms A501V.
Identifiers: ClinVar variation 2135336 (VCV002135336.4), dbSNP rs2510027717, ClinGen allele CA401699648.

ClinVar aggregate classification (germline): Uncertain significance (1 of 4 stars; one submission).

Conditions:
Facioscapulohumeral muscular dystrophy 2 (FSHD2). Also called: FACIOSCAPULOHUMERAL MUSCULAR DYSTROPHY 2, DIGENIC; FSHD2, DIGENIC; MUSCULAR DYSTROPHY, FACIOSCAPULOHUMERAL, TYPE 1B. Identifiers: Orphanet 269, MedGen C1834671, MONDO:0008031, OMIM 158901.

Submission:

Labcorp Genetics (formerly Invitae), Labcorp
Classification: Uncertain significance for Facioscapulohumeral muscular dystrophy 2. Last evaluated: 2022-08-22. Review status: criteria provided, single submitter. Criteria: Invitae Variant Classification Sherloc (09022015). Collection method: clinical testing. Allele origin: germline.
Comment: In summary, the available evidence is currently insufficient to determine the role of this variant in disease. Therefore, it has been classified as a Variant of Uncertain Significance. Algorithms developed to predict the effect of missense changes on protein structure and function output the following: SIFT: "Tolerated"; PolyPhen-2: "Benign"; Align-GVGD: "Class C0". The valine amino acid residue is found in multiple mammalian species, which suggests that this missense change does not adversely affect protein function. This variant has not been reported in the literature in individuals affected with SMCHD1-related conditions. This variant is not present in population databases (gnomAD no frequency). This sequence change replaces alanine, which is neutral and non-polar, with valine, which is neutral and non-polar, at codon 501 of the SMCHD1 protein (p.Ala501Val).